The following is an entry in ClinVar:

NM_022765.4(MICAL1):c.994C>T (p.Arg332Cys)

Gene: MICAL1 (microtubule associated monooxygenase, calponin and LIM domain containing 1; minus strand). Cytogenetic location: 6q21.
Variant type: single nucleotide variant.
Coding change: c.994C>T on transcript NM_022765.4 (MANE Select); coding-DNA position 994, C replaced by T.
Protein change: p.Arg332Cys; replaces arginine 332 with cysteine.
Molecular consequence: missense variant. On other transcripts: intron variant (1).
Genome position (GRCh38, 1-based): chr6:109,450,497, G>A on the plus strand (C>T on the coding strand, the complement: MICAL1 is on the minus strand). VCF-style: chr6-109450497-G-A. GRCh37 (hg19) VCF-style: chr6-109771700-G-A.
Other names: c.1051C>T, p.Arg351Cys (NM_001286613.2); c.934-412C>T (NM_001159291.2); short protein forms R332C, R351C.
Identifiers: ClinVar variation 2143039 (VCV002143039.4), dbSNP rs753550891, ClinGen allele CA3953529.

ClinVar aggregate classification (germline): Uncertain significance (1 of 4 stars; one submission).

Allele frequency attached by ClinVar (database versions not stated): gnomAD exomes 0.00001; ExAC 0.00002; TOPMed 0.00002; gnomAD 0.00003.
gnomAD v4.1: 15 of 1,613,012 alleles (0.00093%); highest among the groups gnomAD compares: Middle Eastern, 0.016%; no homozygotes.

Submission:

Labcorp Genetics (formerly Invitae), Labcorp
Classification: Uncertain significance. Last evaluated: 2025-10-29. Review status: criteria provided, single submitter. Criteria: Invitae Variant Classification Sherloc (09022015). Collection method: clinical testing. Allele origin: germline.
Comment: This sequence change replaces arginine, which is basic and polar, with cysteine, which is neutral and slightly polar, at codon 351 of the MICAL1 protein (p.Arg351Cys). This variant is present in population databases (rs753550891, gnomAD 0.007%). This variant has not been reported in the literature in individuals affected with MICAL1-related conditions. ClinVar contains an entry for this variant (Variation ID: 2143039). An algorithm developed to predict the effect of missense changes on protein structure and function (PolyPhen-2) suggests that this variant is likely to be tolerated. In summary, the available evidence is currently insufficient to determine the role of this variant in disease. Therefore, it has been classified as a Variant of Uncertain Significance.